The following is an entry in ClinVar:

ClinVar aggregate classification (germline): Conflicting classifications of pathogenicity. Review status: criteria provided, conflicting classifications (1 of 4 stars). 13 submissions from 13 submitters: Uncertain significance (7); Benign (1); Likely benign (4). 1 of the submissions does not count toward it. Last evaluated 2026-08-01.

Conditions:
PYGL-related disorder. Also called: PYGL-related condition.
Glycogen storage disease, type VI (GSD6). Also called: Glycogen storage disease type 6; Hepatic glycogen phosphorylase deficiency; HERS DISEASE; PHOSPHORYLASE DEFICIENCY GLYCOGEN-STORAGE DISEASE OF LIVER; Glycogen storage disease type 6, due to phosphorylation; GSD VI. Identifiers: Orphanet 369, MedGen C0017925, MONDO:0009294, OMIM 232700.

Allele frequency attached by ClinVar (database versions not stated): 1000 Genomes Project 0.00180; 1000 Genomes Project 30x 0.00203; TOPMed 0.00408; gnomAD exomes 0.00411 and 0.00566; gnomAD 0.00421 and 0.00440; ExAC 0.00455; ESP Exome Variant Server 0.00484.
gnomAD v4.1: 8,824 of 1,614,214 alleles (0.55%); highest among the groups gnomAD compares: Non-Finnish European, 0.68%; 35 homozygotes.

Submissions (13):

CeGaT Center for Human Genetics Tuebingen
Classification: Likely benign. Last evaluated: 2026-08-01. Review status: criteria provided, single submitter. Criteria: CeGaT Center For Human Genetics Tuebingen Variant Classification Criteria Version 2. Collection method: clinical testing. Allele origin: germline. Affected: yes. Observed: 6 variant alleles.
Comment: PYGL: PP3, BS2

Labcorp Genetics (formerly Invitae), Labcorp
Classification: Likely benign for Glycogen storage disease, type VI. Last evaluated: 2026-02-01. Review status: criteria provided, single submitter. Criteria: Invitae Variant Classification Sherloc (09022015). Collection method: clinical testing. Allele origin: germline.

Genomic Medicine Center of Excellence, King Faisal Specialist Hospital and Research Centre
Classification: Uncertain significance for Glycogen storage disease, type VI. Last evaluated: 2025-09-10. Review status: criteria provided, single submitter. Criteria: ACMG Guidelines, 2015. Collection method: clinical testing. Allele origin: germline.

Blueprint Genetics
Classification: Uncertain significance. Last evaluated: 2024-11-27. Review status: criteria provided, single submitter. Criteria: ACMG Guidelines, 2015. Collection method: clinical testing. Allele origin: germline.

ARUP Laboratories, Molecular Genetics and Genomics, ARUP Laboratories
Classification: Likely benign for Glycogen storage disease, type VI. Last evaluated: 2024-08-14. Review status: criteria provided, single submitter. Criteria: ARUP Molecular Germline Variant Investigation Process 2024. Collection method: clinical testing. Allele origin: germline.

Women's Health and Genetics/Laboratory Corporation of America, LabCorp
Classification: Likely benign. Last evaluated: 2023-12-21. Review status: criteria provided, single submitter. Criteria: LabCorp Variant Classification Summary - May 2015. Collection method: clinical testing. Allele origin: germline.
Comment: Variant summary: PYGL c.1145C>T (p.Pro382Leu) results in a non-conservative amino acid change in the encoded protein sequence. Five of five in-silico tools predict a damaging effect of the variant on protein function. The variant allele was found at a frequency of 0.0041 in 251388 control chromosomes in the gnomAD database, including 6 homozygotes. c.1145C>T has been reported in the literature at a compound heterozygous state along with a second pathogenic missense in an individual affected with Glycogen storage disease (example, Davit-Spraul_2011). These report(s) do not provide unequivocal conclusions about association of the variant with Glycogen storage disease, type VI. To our knowledge, no experimental evidence demonstrating an impact on protein function has been reported. The following publication have been ascertained in the context of this evaluation (PMID: 21646031). Eight submitters have cited clinical-significance assessments for this variant to ClinVar after 2014. Multiple submitters reported the variant with conflicting assessments (Benign/Likely benign, n=3; VUS, n=5). Based on the evidence outlined above, the variant was classified as likely benign.

Mendelics
Classification: Benign for Glycogen storage disease, type VI. Last evaluated: 2023-08-22. Review status: criteria provided, single submitter. Criteria: Mendelics Assertion Criteria 2019. Collection method: clinical testing. Allele origin: germline.

Baylor Genetics
Classification: Uncertain significance for Glycogen storage disease, type VI. Last evaluated: 2019-11-14. Review status: criteria provided, single submitter. Criteria: ACMG Guidelines, 2015. Collection method: clinical testing. Allele origin: inherited. Affected: yes.
Comment: This variant was determined to be of uncertain significance according to ACMG Guidelines, 2015 [PMID:25741868].

Institute of Human Genetics, University of Leipzig Medical Center
Classification: Uncertain significance for Glycogen storage disease, type VI. Last evaluated: 2019-01-01. Review status: criteria provided, single submitter. Criteria: ACMG Guidelines, 2015. Collection method: clinical testing. Allele origin: unknown. Affected: yes.
Comment: This variant was identified as compound heterozygous.

Fulgent Genetics
Classification: Uncertain significance for Glycogen storage disease, type VI. Last evaluated: 2018-10-31. Review status: criteria provided, single submitter. Criteria: ACMG Guidelines, 2015. Collection method: clinical testing. Allele origin: unknown.

Genomic Research Center, Shahid Beheshti University of Medical Sciences
Classification: Uncertain significance for Glycogen storage disease, type VI. Last evaluated: 2017-12-03. Review status: criteria provided, single submitter. Criteria: ACMG Guidelines, 2015. Collection method: clinical testing. Allele origin: inherited.

Illumina Laboratory Services, Illumina
Classification: Uncertain significance for Glycogen storage disease, type VI. Last evaluated: 2017-04-27. Review status: criteria provided, single submitter. Criteria: ICSL Variant Classification Criteria 13 December 2019. Collection method: clinical testing. Allele origin: germline.

PreventionGenetics, part of Exact Sciences
Classification: Likely benign for PYGL-related condition. Last evaluated: 2020-03-26. Review status: no assertion criteria provided. Collection method: clinical testing. Allele origin: germline. Not counted in ClinVar's aggregate classification.
Comment: This variant is classified as likely benign based on ACMG/AMP sequence variant interpretation guidelines (Richards et al. 2015 PMID: 25741868, with internal and published modifications).

Literature cited by the submitters: PubMed 21646031 (cited by Women's Health and Genetics/Laboratory Corporation of America, LabCorp).

NM_002863.5(PYGL):c.1145C>T (p.Pro382Leu)

Gene: PYGL (glycogen phosphorylase L; minus strand). Cytogenetic location: 14q22.1.
Variant type: single nucleotide variant.
Coding change: c.1145C>T on transcript NM_002863.5 (MANE Select); coding-DNA position 1145, C replaced by T.
Protein change: p.Pro382Leu; replaces proline 382 with leucine.
Molecular consequence: missense variant.
Genome position (GRCh38, 1-based): chr14:50,915,919, G>A on the plus strand (C>T on the coding strand, the complement: PYGL is on the minus strand). VCF-style: chr14-50915919-G-A. GRCh37 (hg19) VCF-style: chr14-51382637-G-A.
Other names: c.1043C>T, p.Pro348Leu (NM_001163940.2); short protein forms P348L, P382L.
Identifiers: ClinVar variation 522775 (VCV000522775.55), dbSNP rs143759519, ClinGen allele CA7183547.